The following is an entry in ClinVar:

ClinVar aggregate classification (germline): Uncertain significance. Review status: criteria provided, multiple submitters, no conflicts (2 of 4 stars). 7 submissions from 7 submitters: Uncertain significance (7). Last evaluated 2025-10-05.

Conditions:
Classic or attenuated familial adenomatous polyposis. Identifiers: MedGen CN372698, MONDO:0021057.
Hereditary cancer-predisposing syndrome. Also called: Hereditary Cancer Syndrome; Hereditary neoplastic syndrome; Neoplastic Syndromes, Hereditary; Tumor predisposition. Identifiers: Orphanet 140162, MedGen C0027672, MeSH D009386, MONDO:0015356.
Familial adenomatous polyposis 1 (FAP1). Also called: FAMILIAL ADENOMATOUS POLYPOSIS 1, ATTENUATED; POLYPOSIS, ADENOMATOUS INTESTINAL. Identifiers: MedGen C2713442, MONDO:0021056, OMIM 175100. Disease mechanism: loss of function.

Allele frequency attached by ClinVar (database versions not stated): ExAC 0.00001; gnomAD exomes 0.00001.
gnomAD v4.1: 8 of 1,614,210 alleles (0.0005%); highest among the groups gnomAD compares: Middle Eastern, 0.016%; no homozygotes.

Submissions (7):

Labcorp Genetics (formerly Invitae), Labcorp
Classification: Uncertain significance for Familial adenomatous polyposis 1. Last evaluated: 2025-10-05. Review status: criteria provided, single submitter. Criteria: Invitae Variant Classification Sherloc (09022015). Collection method: clinical testing. Allele origin: germline.
Comment: This sequence change replaces asparagine, which is neutral and polar, with aspartic acid, which is acidic and polar, at codon 1046 of the APC protein (p.Asn1046Asp). This variant is present in population databases (rs755493779, gnomAD 0.002%). This variant has not been reported in the literature in individuals affected with APC-related conditions. ClinVar contains an entry for this variant (Variation ID: 216158). Invitae Evidence Modeling of protein sequence and biophysical properties (such as structural, functional, and spatial information, amino acid conservation, physicochemical variation, residue mobility, and thermodynamic stability) indicates that this missense variant is not expected to disrupt APC protein function with a negative predictive value of 95%. In summary, the available evidence is currently insufficient to determine the role of this variant in disease. Therefore, it has been classified as a Variant of Uncertain Significance.

Color Diagnostics, LLC DBA Color Health
Classification: Uncertain significance for Hereditary cancer-predisposing syndrome. Last evaluated: 2024-03-06. Review status: criteria provided, single submitter. Criteria: ACMG Guidelines, 2015. Collection method: clinical testing. Allele origin: germline.
Comment: This missense variant replaces asparagine with aspartic acid at codon 1046 of the APC protein. Computational prediction suggests that this variant may not impact protein structure and function (internally defined REVEL score threshold <= 0.5, PMID: 27666373). To our knowledge, functional studies have not been reported for this variant. This variant has not been reported in individuals affected with hereditary cancer in the literature. This variant has been identified in 2/250724 chromosomes in the general population by the Genome Aggregation Database (gnomAD). The available evidence is insufficient to determine the role of this variant in disease conclusively. Therefore, this variant is classified as a Variant of Uncertain Significance.

Baylor Genetics
Classification: Uncertain significance for Familial adenomatous polyposis 1. Last evaluated: 2023-12-24. Review status: criteria provided, single submitter. Criteria: ACMG Guidelines, 2015. Collection method: clinical testing. Allele origin: unknown.

Institute for Biomarker Research, Medical Diagnostic Laboratories, L.L.C.
Classification: Uncertain significance for Hereditary cancer-predisposing syndrome. Last evaluated: 2023-11-14. Review status: criteria provided, single submitter. Criteria: ACMG Guidelines, 2015. Collection method: clinical testing. Allele origin: germline.

Ambry Genetics
Classification: Uncertain significance for Hereditary cancer-predisposing syndrome. Last evaluated: 2023-11-01. Review status: criteria provided, single submitter. Criteria: Ambry Variant Classification Scheme 2023. Collection method: clinical testing. Allele origin: germline.
Comment: The p.N1046D variant (also known as c.3136A>G), located in coding exon 15 of the APC gene, results from an A to G substitution at nucleotide position 3136. The asparagine at codon 1046 is replaced by aspartic acid, an amino acid with highly similar properties. This amino acid position is well conserved in available vertebrate species. In addition, in silico predictors for this gene do not accurately predict pathogenicity. Since supporting evidence is limited at this time, the clinical significance of this alteration remains unclear.

All of Us Research Program, National Institutes of Health
Classification: Uncertain significance for Classic or attenuated familial adenomatous polyposis. Last evaluated: 2023-03-28. Review status: criteria provided, single submitter. Criteria: ACMG Guidelines, 2015. Collection method: clinical testing. Allele origin: germline. Inheritance: Autosomal dominant inheritance. Observed: 1 variant allele, 1 heterozygote.
Comment: This missense variant replaces asparagine with aspartic acid at codon 1046 of the APC protein. Computational prediction suggests that this variant may not impact protein structure and function (internally defined REVEL score threshold <= 0.5, PMID: 27666373). To our knowledge, functional studies have not been reported for this variant. This variant has not been reported in individuals affected with hereditary cancer in the literature. This variant has been identified in 2/250724 chromosomes in the general population by the Genome Aggregation Database (gnomAD). The available evidence is insufficient to determine the role of this variant in disease conclusively. Therefore, this variant is classified as a Variant of Uncertain Significance.

This study involves interpretation of variants in research participants for the purpose of population health screening. Participant phenotype was not available at the time of variant classification. Additional details can be found in publication PMID: 35346344, PMCID: PMC8962531

GeneDx
Classification: Uncertain significance. Last evaluated: 2017-01-27. Review status: criteria provided, single submitter. Criteria: GeneDx Variant Classification (06012015). Collection method: clinical testing. Allele origin: germline. Affected: yes.
Comment: This variant is denoted APC c.3136A>G at the cDNA level, p.Asn1046Asp (N1046D) at the protein level, and results in the change of an Asparagine to an Aspartic Acid (AAT>GAT). This variant has not, to our knowledge, been published in the literature as pathogenic or benign. APC Asn1046Asp was not observed in approximately 6,500 individuals of European and African American ancestry in the NHLBI Exome Sequencing Project, suggesting it is not a common benign variant in these populations. Since Asparagine and Aspartic Acid differ in some properties, this is considered a semi-conservative amino acid substitution. APC Asn1046Asp occurs at a position that is conserved in mammals and is located in the 15-aa repeat beta-catenin binding domain (Azzopardi 2008). In silico analyses are inconsistent regarding the effect this variant may have on protein structure and function. Based on currently available evidence, it is unclear whether APC Asn1046Asp is a pathogenic or benign variant. We consider it to be a variant of uncertain significance.

NM_000038.6(APC):c.3136A>G (p.Asn1046Asp)

Gene: APC (APC regulator of Wnt signaling pathway; plus strand). Cytogenetic location: 5q22.2.
Variant type: single nucleotide variant.
Coding change: c.3136A>G on transcript NM_000038.6 (MANE Select); coding-DNA position 3136, A replaced by G.
Protein change: p.Asn1046Asp; replaces asparagine 1046 with aspartic acid.
Molecular consequence: missense variant.
Genome position (GRCh38, 1-based): chr5:112,838,730, A>G. VCF-style: chr5-112838730-A-G. GRCh37 (hg19) VCF-style: chr5-112174427-A-G.
Other names: c.3136A>G, p.Asn1046Asp (NM_001127510.3, NM_001354895.2); c.3082A>G, p.Asn1028Asp (NM_001127511.3); c.3190A>G, p.Asn1064Asp (NM_001354896.2); c.3166A>G, p.Asn1056Asp (NM_001354897.2); c.3061A>G, p.Asn1021Asp (NM_001354898.2); c.3052A>G, p.Asn1018Asp (NM_001354899.2); c.3013A>G, p.Asn1005Asp (NM_001354900.2); c.2959A>G, p.Asn987Asp (NM_001354901.2); and 5 more; short protein forms N1028D, N1046D, N1021D, N1064D, N886D, N987D, N955D, N763D.
Identifiers: ClinVar variation 216158 (VCV000216158.25), dbSNP rs755493779, ClinGen allele CA034430.